The following is an entry in ClinVar:

NM_001165963.4(SCN1A):c.5187_5188delinsTT (p.Leu1729Phe)

Genes: SCN1A (sodium voltage-gated channel alpha subunit 1; minus strand), LOC102724058 (uncharacterized LOC102724058; plus strand). Cytogenetic location: 2q24.3.
Variant type: Indel.
Coding change: c.5187_5188delinsTT on transcript NM_001165963.4 (MANE Select); coding-DNA positions 5187 to 5188, GC replaced by TT.
Protein change: p.Leu1729Phe; replaces leucine 1729 with phenylalanine.
Molecular consequence: missense variant. On other transcripts: non-coding transcript variant (1).
Genome position (GRCh38, 1-based): chr2:165,992,087-165,992,088, GC replaced by AA on the plus strand (GC replaced by TT on the coding strand, the reverse complement: SCN1A is on the minus strand). VCF-style: chr2-165992087-GC-AA. GRCh37 (hg19) VCF-style: chr2-166848597-GC-AA.
Other names: c.5154_5155delinsTT, p.Leu1718Phe (NM_001353952.2, NM_006920.6, NM_001353949.2 and 2 more transcripts); c.5151_5152delinsTT, p.Leu1717Phe (NM_001353954.2, NM_001353955.2); c.5103_5104delinsTT, p.Leu1701Phe (NM_001353957.2, NM_001353958.2, NM_001165964.3); c.5100_5101delinsTT, p.Leu1700Phe (NM_001353960.2); c.2745_2746delinsTT, p.Leu915Phe (NM_001353961.2); c.5187_5188delinsTT, p.Leu1729Phe (NM_001202435.3, NM_001353948.2); short protein forms L1718F, L1700F, L1717F, L1729F, L915F, L1701F.
Identifiers: ClinVar variation 3677686 (VCV003677686.2).

ClinVar aggregate classification (germline): Uncertain significance (1 of 4 stars; one submission).

Conditions:
Early-infantile DEE. Also called: Ohtahara syndrome; Early infantile epileptic encephalopathy with suppression bursts; Early infantile epileptic encephalopathy. Identifiers: Orphanet 1934, MedGen C0393706, MONDO:0800491.

Submission:

Labcorp Genetics (formerly Invitae), Labcorp
Classification: Uncertain significance for Early-infantile DEE. Last evaluated: 2024-08-28. Review status: criteria provided, single submitter. Criteria: Invitae Variant Classification Sherloc (09022015). Collection method: clinical testing. Allele origin: germline.
Comment: This sequence change replaces leucine, which is neutral and non-polar, with phenylalanine, which is neutral and non-polar, at codon 1729 of the SCN1A protein (p.Leu1729Phe). Information on the frequency of this variant in the gnomAD database is not available, as this variant may be reported differently in the database. This variant has not been reported in the literature in individuals affected with SCN1A-related conditions. Experimental studies and prediction algorithms are not available or were not evaluated, and the functional significance of this variant is currently unknown. In summary, the available evidence is currently insufficient to determine the role of this variant in disease. Therefore, it has been classified as a Variant of Uncertain Significance.